The following is an entry in ClinVar:

NM_024596.5(MCPH1):c.*199G>A

Genes: MCPH1-AS1 (MCPH1 antisense RNA 1; minus strand), MCPH1 (microcephalin 1; plus strand). Cytogenetic location: 8p23.1.
Variant type: single nucleotide variant.
Coding change: c.*199G>A on transcript NM_024596.5 (MANE Select); 199 bases downstream of the stop codon, G replaced by A.
Molecular consequence: 3 prime UTR variant.
Genome position (GRCh38, 1-based): chr8:6,643,248, G>A. VCF-style: chr8-6643248-G-A. GRCh37 (hg19) VCF-style: chr8-6500769-G-A.
Other names: c.*221G>A (NM_001322042.2); c.*199G>A (NM_001363980.2).
Identifiers: ClinVar variation 363568 (VCV000363568.7), dbSNP rs17317651, ClinGen allele CA10631516.

ClinVar aggregate classification (germline): Likely benign. Review status: criteria provided, multiple submitters, no conflicts (2 of 4 stars). 2 submissions from 2 submitters: Likely benign (2). Last evaluated 2020-10-16.

Conditions:
Microcephaly 1, primary, autosomal recessive (MCPH1). Also called: PREMATURE CHROMOSOME CONDENSATION SYNDROME; PCC SYNDROME; PREMATURE CHROMOSOME CONDENSATION WITH MICROCEPHALY AND MENTAL RETARDATION. Identifiers: Orphanet 2512, MedGen C1855081, MONDO:0009617, OMIM 251200.

Allele frequency attached by ClinVar (database versions not stated): gnomAD 0.00556 and 0.00596; 1000 Genomes Project 0.00619; TOPMed 0.00623; 1000 Genomes Project 30x 0.00718.
gnomAD v4.1: 1,172 of 614,002 alleles (0.19%); highest among the groups gnomAD compares: African/African-American, 1.9%; 10 homozygotes.

Submissions (2):

GeneDx
Classification: Likely benign. Last evaluated: 2020-10-16. Review status: criteria provided, single submitter. Criteria: GeneDx Variant Classification Process June 2021. Collection method: clinical testing. Allele origin: germline. Affected: yes.

Illumina Laboratory Services, Illumina
Classification: Likely benign for Microcephaly 1, primary, autosomal recessive. Last evaluated: 2018-01-13. Review status: criteria provided, single submitter. Criteria: ICSL Variant Classification Criteria 13 December 2019. Collection method: clinical testing. Allele origin: germline.
Comment: This variant was observed in the ICSL laboratory as part of a predisposition screen in an ostensibly healthy population. It had not been previously curated by ICSL or reported in the Human Gene Mutation Database (HGMD: prior to June 1st, 2018), and was therefore a candidate for classification through an automated scoring system. Utilizing variant allele frequency, disease prevalence and penetrance estimates, and inheritance mode, an automated score was calculated to assess if this variant is too frequent to cause the disease. Based on the score and internal cut-off values, a variant classified as likely benign is not then subjected to further curation. The score for this variant resulted in a classification of likely benign for this disease.